The following is an entry in ClinVar:

ClinVar aggregate classification (germline): Conflicting classifications of pathogenicity. Review status: criteria provided, conflicting classifications (1 of 4 stars). 10 submissions from 10 submitters: Uncertain significance (4); Likely benign (5). 1 of the submissions does not count toward it. Last evaluated 2026-02-02.

Conditions:
Hereditary cancer. Identifiers: MedGen C1333600.
Hereditary cancer-predisposing syndrome. Also called: Tumor predisposition; Neoplastic Syndromes, Hereditary; Hereditary neoplastic syndrome; Hereditary Cancer Syndrome. Identifiers: Orphanet 140162, MedGen C0027672, MeSH D009386, MONDO:0015356.
Fanconi anemia (FA). Also called: Fanconi's anemia. Identifiers: Orphanet 84, MedGen C0015625, MeSH D005199, MONDO:0019391.
Fanconi anemia complementation group C (FANCC). Also called: FANCONI PANCYTOPENIA, TYPE 3; FACC; Fanconi anemia, group C; FANCC-Related Fanconi Anemia. Identifiers: Orphanet 84, MedGen C3468041, MONDO:0009213, OMIM 227645.
Malignant tumor of breast. Also called: Malignant breast neoplasm; Cancer breast. Identifiers: MedGen C0006142, MONDO:0007254. Disease mechanism: loss of function.

Allele frequency attached by ClinVar (database versions not stated): gnomAD 0.00011; TOPMed 0.00017; ESP Exome Variant Server 0.00031.
gnomAD v4.1: 356 of 1,613,898 alleles (0.022%); highest among the groups gnomAD compares: Non-Finnish European, 0.028%; no homozygotes.

Submissions (10):

Labcorp Genetics (formerly Invitae), Labcorp
Classification: Likely benign for Fanconi anemia. Last evaluated: 2026-02-02. Review status: criteria provided, single submitter. Criteria: Invitae Variant Classification Sherloc (09022015). Collection method: clinical testing. Allele origin: germline.

Blueprint Genetics
Classification: Likely benign. Last evaluated: 2024-11-01. Review status: criteria provided, single submitter. Criteria: ACMG Guidelines, 2015. Collection method: clinical testing. Allele origin: germline.

Mendelics
Classification: Likely benign for Hereditary cancer. Last evaluated: 2024-01-23. Review status: criteria provided, single submitter. Criteria: ACMG Guidelines, 2015. Collection method: clinical testing. Allele origin: unknown.

Ambry Genetics
Classification: Uncertain significance for Hereditary cancer-predisposing syndrome. Last evaluated: 2023-03-15. Review status: criteria provided, single submitter. Criteria: Ambry Variant Classification Scheme 2023. Collection method: clinical testing. Allele origin: germline.
Comment: The p.E273K variant (also known as c.817G>A), located in coding exon 7 of the FANCC gene, results from a G to A substitution at nucleotide position 817. The glutamic acid at codon 273 is replaced by lysine, an amino acid with similar properties. This alteration has been identified in pancreatic and breast cancer cases, as well as, controls (Couch FJ et al. Cancer Res, 2005 Jan;65:383-6; Song H et al. J Med Genet, 2021 May;58:305-313; Lerner-Ellis J et al. J Cancer Res Clin Oncol, 2021 Mar;147:871-879; Guindalini RSC et al. Sci Rep, 2022 Mar;12:4190). This alteration was also detected in 1/25 Chinese Fanconi anemia patients but was found to perform similar to wild-type in a functional assay (Li N et al. Exp. Hematol., 2018 Oct;66:32-41.e8). Of note, this alteration is also designated as 1072G>A in published literature. This amino acid position is well conserved in available vertebrate species. In addition, this alteration is predicted to be tolerated by in silico analysis. Since supporting evidence is limited at this time, the clinical significance of this alteration remains unclear.

Sema4
Classification: Likely benign for Fanconi anemia. Last evaluated: 2021-03-08. Review status: criteria provided, single submitter. Criteria: Sema4 Curation Guidelines. Collection method: curation. Allele origin: germline.

GeneDx
Classification: Likely benign. Last evaluated: 2020-11-09. Review status: criteria provided, single submitter. Criteria: GeneDx Variant Classification Process June 2021. Collection method: clinical testing. Allele origin: germline. Affected: yes.
Comment: This variant is associated with the following publications: (PMID: 26689913, 15695377, 30031030, 27498913)

Women's Health and Genetics/Laboratory Corporation of America, LabCorp
Classification: Uncertain significance. Last evaluated: 2019-01-25. Review status: criteria provided, single submitter. Criteria: LabCorp Variant Classification Summary - May 2015. Collection method: clinical testing. Allele origin: germline.
Comment: Variant summary: The variant, FANCC c.817G>A (p.Glu273Lys) results in a conservative amino acid change in the encoded protein sequence. Five of five in-silico tools predict a benign effect of the variant on protein function. The variant allele was found at a frequency of 0.00014 in 278450 control chromosomes (gnomAD and Couch_2005). This frequency is not significantly higher than expected for a pathogenic variant in FANCC causing Fanconi Anemia Group C (0.00014 vs 0.0018), allowing no conclusion about variant significance. The variant, c.817G>A has been reported in the literature in individuals affected with pancreatic cancer, Fanconi Anemia Group C, and GBM (Couch_2005, Li_2018. Lu_2015). These reports do not provide unequivocal conclusions about association of the variant with Fanconi Anemia Group C. The variant of interest was functionally assessed and found to have no impact on expression and rescued MMC sensitivity. Four ClinVar submissions from clinical diagnostic laboratories (evaluation after 2014) cite the variant three times as uncertain significance and once as likely benign. Based on the evidence outlined above, the variant was classified as VUS - possibly benign.

Genetic Services Laboratory, University of Chicago
Classification: Uncertain significance. Last evaluated: 2018-09-06. Review status: criteria provided, single submitter. Criteria: ACMG Guidelines, 2015. Collection method: clinical testing. Allele origin: germline. Affected: no.

Illumina Laboratory Services, Illumina
Classification: Uncertain significance for Fanconi anemia complementation group C. Last evaluated: 2018-01-13. Review status: criteria provided, single submitter. Criteria: ICSL Variant Classification Criteria 13 December 2019. Collection method: clinical testing. Allele origin: germline.

Department of Pathology and Laboratory Medicine, Sinai Health System
Classification: Uncertain significance for Malignant tumor of breast. Review status: no assertion criteria provided. Collection method: clinical testing. Allele origin: unknown. Affected: yes. Study: The Canadian Open Genetics Repository (COGR). Not counted in ClinVar's aggregate classification.
Comment: The FANCC p.Glu273Lys variant was identified in 1 of 842 proband chromosomes (frequency: 0.001) from individuals or families with pancreatic cancer and was present in 3 of 1308 control chromosomes (frequency: 0.002) from healthy individuals (Couch 2005). The variant was also identified in dbSNP (ID: rs143181565) as â€šÃ„ÃºWith Uncertain significance alleleâ€šÃ„Ã¹, ClinVar (as likely benign by Invitae and as uncertain significance by GeneDx, Mendelics and Ambry Genetics). The variant was not identified in LOVD 3.0. The variant was identified in control databases in 36 of 277142 chromosomes at a frequency of 0.00013 increasing the likelihood this could be a low frequency benign variant (Genome Aggregation Database Feb 27, 2017). The variant was observed in the following populations: African in 1 of 24016 chromosomes (freq: 0.000042), Latino in 6 of 34410 chromosomes (freq: 0.00017), European Non-Finnish in 28 of 126662 chromosomes (freq: 0.000221), European in 1 of 25794 chromosomes (freq: 0.000039), while the variant was not observed in the Other, Ashkenazi Jewish, East Asian, and South Asian populations. The p.Glu273 residue is conserved in in mammals but not in more distantly related organisms however computational analyses (PolyPhen-2, SIFT, AlignGVGD, BLOSUM, MutationTaster) do not suggest a high likelihood of impact to the protein; this information is not predictive enough to rule out pathogenicity. The variant occurs outside of the splicing consensus sequence and in silico or computational prediction software programs (SpliceSiteFinder, MaxEntScan, NNSPLICE, GeneSplicer) do not predict a difference in splicing. In summary, based on the above information the clinical significance of this variant cannot be determined with certainty at this time. This variant is classified as a variant of uncertain significance.

Literature cited by the submitters: PubMed 15695377 (cited by Ambry Genetics and Women's Health and Genetics/Laboratory Corporation of America, LabCorp); PubMed 30031030 (cited by Ambry Genetics and Women's Health and Genetics/Laboratory Corporation of America, LabCorp); PubMed 32546565 (cited by Ambry Genetics); PubMed 32885271 (cited by Ambry Genetics); PubMed 35264596 (cited by Ambry Genetics); PubMed 26689913 (cited by Women's Health and Genetics/Laboratory Corporation of America, LabCorp).

NM_000136.3(FANCC):c.817G>A (p.Glu273Lys)

Genes: AOPEP (aminopeptidase O (putative); plus strand), FANCC (FA complementation group C; minus strand). Cytogenetic location: 9q22.32.
Variant type: single nucleotide variant.
Coding change: c.817G>A on transcript NM_000136.3 (MANE Select); coding-DNA position 817, G replaced by A.
Protein change: p.Glu273Lys; replaces glutamic acid 273 with lysine.
Molecular consequence: missense variant.
Genome position (GRCh38, 1-based): chr9:95,135,372, C>T on the plus strand (G>A on the coding strand, the complement: FANCC is on the minus strand). VCF-style: chr9-95135372-C-T. GRCh37 (hg19) VCF-style: chr9-97897654-C-T.
Other names: p.E273K:GAA>AAA; c.817G>A, p.Glu273Lys (NM_001243743.2, NM_001243744.2); short protein forms E273K.
Identifiers: ClinVar variation 182480 (VCV000182480.30), dbSNP rs143181565, ClinGen allele CA299169.
Genomic context (GRCh38, chr9:95,135,372, plus strand): 5'-AGGATTTTTCCCTTCATCAAAACCCAGTACGTACCAGCGATGAATCTTTTATAAAGCATT[C>T]GATCCTTCTCAGACAATTTCTCTCACTGGAGATTAGCTTTTCAAAAAGATGCAGCATTGC-3'
Protein context (NP_000127.2, residues 263-283): SSERNCLRRI[Glu273Lys]CFIKDSSLPQ